The following is an entry in ClinVar:

NM_002618.4(PEX13):c.208A>G (p.Thr70Ala)

Gene: PEX13 (peroxisomal biogenesis factor 13; plus strand). Cytogenetic location: 2p15.
Variant type: single nucleotide variant.
Coding change: c.208A>G on transcript NM_002618.4 (MANE Select); coding-DNA position 208, A replaced by G.
Protein change: p.Thr70Ala; replaces threonine 70 with alanine.
Molecular consequence: missense variant.
Genome position (GRCh38, 1-based): chr2:61,031,534, A>G. VCF-style: chr2-61031534-A-G. GRCh37 (hg19) VCF-style: chr2-61258669-A-G.
Other names: short protein forms T70A.
Identifiers: ClinVar variation 2800177 (VCV002800177.3), dbSNP rs2467507570, ClinGen allele CA346941566.

ClinVar aggregate classification (germline): Uncertain significance (1 of 4 stars; one submission).

Conditions:
Peroxisome biogenesis disorder 11A (Zellweger). Also called: Peroxisome biogenesis disorder 11A. Identifiers: Orphanet 912, MedGen C3554000, MONDO:0013949, OMIM 614883.

Submission:

Labcorp Genetics (formerly Invitae), Labcorp
Classification: Uncertain significance for Peroxisome biogenesis disorder 11A (Zellweger). Last evaluated: 2023-05-30. Review status: criteria provided, single submitter. Criteria: Invitae Variant Classification Sherloc (09022015). Collection method: clinical testing. Allele origin: germline.
Comment: Advanced modeling of protein sequence and biophysical properties (such as structural, functional, and spatial information, amino acid conservation, physicochemical variation, residue mobility, and thermodynamic stability) performed at Invitae indicates that this missense variant is not expected to disrupt PEX13 protein function. In summary, the available evidence is currently insufficient to determine the role of this variant in disease. Therefore, it has been classified as a Variant of Uncertain Significance. This variant has not been reported in the literature in individuals affected with PEX13-related conditions. This variant is not present in population databases (gnomAD no frequency). This sequence change replaces threonine, which is neutral and polar, with alanine, which is neutral and non-polar, at codon 70 of the PEX13 protein (p.Thr70Ala).